The following is an entry in ClinVar:

ClinVar aggregate classification (germline): Uncertain significance. Review status: criteria provided, multiple submitters, no conflicts (2 of 4 stars). 3 submissions from 3 submitters: Uncertain significance (2). 1 of the submissions does not count toward it. Last evaluated 2022-03-31.

Conditions:
Autosomal recessive nonsyndromic hearing loss 4 (DFNB4). Also called: FOXI1-Related Pendred Syndrome; KCNJ10-Related Pendred Syndrome; DEAFNESS, AUTOSOMAL RECESSIVE 4, WITH ENLARGED VESTIBULAR AQUEDUCT, DIGENIC; Deafness, autosomal recessive 4, with enlarged vestibular aqueduct; Deafness, autosomal recessive 4; Enlarged vestibular aqueduct, digenic. Identifiers: Orphanet 90636, MedGen C3538946, MONDO:0010933, OMIM 600791.
Pendred syndrome (PDS). Also called: Pendred's syndrome; THYROID DYSHORMONOGENESIS 2B; THYROID HORMONOGENESIS, GENETIC DEFECT IN, 2B; GOITER-DEAFNESS SYNDROME; HYPOTHYROIDISM, CONGENITAL, DUE TO DYSHORMONOGENESIS, 2B; Pendred Syndrome (PDS). Identifiers: Orphanet 705, MedGen C0271829, MONDO:0010134, OMIM 274600.

Allele frequency attached by ClinVar (database versions not stated): gnomAD exomes 0.00001; TOPMed 0.00002; gnomAD 0.00003.
gnomAD v4.1: 16 of 1,613,598 alleles (0.00099%); highest among the groups gnomAD compares: Non-Finnish European, 0.0014%; no homozygotes.

Submissions (3):

Fulgent Genetics
Classification: Uncertain significance for Pendred syndrome; Autosomal recessive nonsyndromic hearing loss 4. Last evaluated: 2022-03-31. Review status: criteria provided, single submitter. Criteria: ACMG Guidelines, 2015. Collection method: clinical testing. Allele origin: unknown.

Centre of Medical Genetics, University Hospital Muenster
Classification: Uncertain significance. Last evaluated: 2021-12-05. Review status: criteria provided, single submitter. Criteria: ACMG Guidelines, 2015. Collection method: clinical testing. Allele origin: unknown. Affected: yes. Observed: 1 variant allele, 1 heterozygote.
Comment: ACMG categories: PM1,PM2,PP3,BP1

Gharavi Laboratory, Columbia University
Classification: Uncertain significance. Last evaluated: 2018-09-16. Review status: no assertion criteria provided. Criteria: ACMG Guidelines, 2015. Collection method: research. Allele origin: germline. Affected: yes. Not counted in ClinVar's aggregate classification.

NM_000441.2(SLC26A4):c.1301C>A (p.Ala434Asp)

Gene: SLC26A4 (solute carrier family 26 member 4; plus strand). Cytogenetic location: 7q22.3.
Variant type: single nucleotide variant.
Coding change: c.1301C>A on transcript NM_000441.2 (MANE Select); coding-DNA position 1301, C replaced by A.
Protein change: p.Ala434Asp; replaces alanine 434 with aspartic acid.
Molecular consequence: missense variant.
Genome position (GRCh38, 1-based): chr7:107,694,440, C>A. VCF-style: chr7-107694440-C-A. GRCh37 (hg19) VCF-style: chr7-107334885-C-A.
Other names: short protein forms A434D.
Identifiers: ClinVar variation 591607 (VCV000591607.5), dbSNP rs1035397261, ClinGen allele CA164214285.